The following is an entry in ClinVar:

NM_015404.4(WHRN):c.2187del (p.Asp730fs)

Gene: WHRN (whirlin; minus strand). Cytogenetic location: 9q32.
Variant type: Deletion.
Coding change: c.2187del on transcript NM_015404.4 (MANE Select); coding-DNA position 2187, one base deleted (C; older notation c.2187delC).
Protein change: p.Asp730fs; shifts the reading frame from aspartic acid 730.
Molecular consequence: frameshift variant.
Genome position (GRCh38, 1-based): chr9:114,406,404, G deleted on the plus strand (C on the coding strand, the reverse complement: WHRN is on the minus strand); the first of 4 consecutive G bases (chr9:114,406,404-114,406,407); deleting any one gives the same sequence. VCF-style (leftmost placement, unchanged base first): chr9-114406403-CG-C. GRCh37 (hg19) VCF-style: chr9-117168683-CG-C.
Other names: c.1038del, p.Asp347fs (NM_001083885.3); c.2187del, p.Asp730fs (NM_001173425.2); c.1134del, p.Asp379fs (NM_001346890.1); short protein forms D730fs, D347fs, D379fs.
Identifiers: ClinVar variation 960071 (VCV000960071.7), dbSNP rs1835030174, ClinGen allele CA1139661140.

ClinVar aggregate classification (germline): Pathogenic (1 of 4 stars; one submission).

Submission:

Labcorp Genetics (formerly Invitae), Labcorp
Classification: Pathogenic. Last evaluated: 2019-09-30. Review status: criteria provided, single submitter. Criteria: Invitae Variant Classification Sherloc (09022015). Collection method: clinical testing. Allele origin: germline.
Comment: For these reasons, this variant has been classified as Pathogenic. Loss-of-function variants in WHRN are known to be pathogenic (PMID: 12833159, 15841483, 22147658). This variant has not been reported in the literature in individuals with WHRN-related conditions. This variant is not present in population databases (ExAC no frequency). This sequence change creates a premature translational stop signal (p.Asp730Thrfs*9) in the WHRN gene. It is expected to result in an absent or disrupted protein product.

Literature cited by the submitters: PubMed 12833159; PubMed 15841483; PubMed 22147658.